The following is an entry in ClinVar:

NM_002764.4(PRPS1):c.334G>A (p.Val112Ile)

Gene: PRPS1 (phosphoribosyl pyrophosphate synthetase 1; plus strand). Cytogenetic location: Xq22.3.
Variant type: single nucleotide variant.
Coding change: c.334G>A on transcript NM_002764.4 (MANE Select); coding-DNA position 334, G replaced by A.
Protein change: p.Val112Ile; replaces valine 112 with isoleucine.
Molecular consequence: missense variant. On other transcripts: intron variant (1).
Genome position (GRCh38, 1-based): chrX:107,640,929, G>A. VCF-style: chrX-107640929-G-A. GRCh37 (hg19) VCF-style: chrX-106884159-G-A.
Other names: c.-82-4248G>A (NM_001204402.2); short protein forms V112I.
Identifiers: ClinVar variation 1356780 (VCV001356780.9), dbSNP rs2147682370, ClinGen allele CA413806567.

ClinVar aggregate classification (germline): Uncertain significance. Review status: criteria provided, multiple submitters, no conflicts (2 of 4 stars). 2 submissions from 2 submitters: Uncertain significance (2). Last evaluated 2022-02-10.

Conditions:
Charcot-Marie-Tooth Neuropathy X. Identifiers: MedGen CN118851.
Arts syndrome (ARTS). Also called: MENTAL RETARDATION, X-LINKED, SYNDROMIC 18; MENTAL RETARDATION, X-LINKED, SYNDROMIC, ARTS TYPE; ARTS SYNDROME AND PHOSPHORIBOSYLPYROPHOSPHATE SYNTHETASE SUPERACTIVITY. Identifiers: Orphanet 1187, MedGen C0796028, MONDO:0010533, OMIM 301835.
Hearing loss, X-linked 1 (DFNX1). Also called: DFNX1 Nonsyndromic Hearing Loss and Deafness; DEAFNESS, X-LINKED 1; DEAFNESS, X-LINKED 2, SENSORINEURAL CONGENITAL; DFNX1 Nonsyndromic Sensorineural Hearing Loss (DFN2). Identifiers: Orphanet 90625, MedGen C1844677, MONDO:0010577, OMIM 304500.
Charcot-Marie-Tooth disease X-linked recessive 5 (CMTX5). Also called: OPTIC ATROPHY, POLYNEUROPATHY, AND DEAFNESS; ROSENBERG-CHUTORIAN SYNDROME; Charcot-Marie-Tooth Neuropathy X Type 5 (CMTX5); Optic atrophy, neural deafness, and distal neurogenic amyotrophy. Identifiers: Orphanet 99014, MedGen C1839566, MONDO:0010699, OMIM 311070.
Phosphoribosylpyrophosphate synthetase superactivity. Identifiers: Orphanet 3222, MedGen C1970827, MONDO:0010395, OMIM 300661.

Submissions (2):

Labcorp Genetics (formerly Invitae), Labcorp
Classification: Uncertain significance for Charcot-Marie-Tooth Neuropathy X. Last evaluated: 2022-02-10. Review status: criteria provided, single submitter. Criteria: Invitae Variant Classification Sherloc (09022015). Collection method: clinical testing. Allele origin: germline.
Comment: This sequence change replaces valine, which is neutral and non-polar, with isoleucine, which is neutral and non-polar, at codon 112 of the PRPS1 protein (p.Val112Ile). This variant is not present in population databases (gnomAD no frequency). This variant has not been reported in the literature in individuals affected with PRPS1-related conditions. Algorithms developed to predict the effect of missense changes on protein structure and function (SIFT, PolyPhen-2, Align-GVGD) all suggest that this variant is likely to be tolerated. In summary, the available evidence is currently insufficient to determine the role of this variant in disease. Therefore, it has been classified as a Variant of Uncertain Significance.

Fulgent Genetics
Classification: Uncertain significance for Phosphoribosylpyrophosphate synthetase superactivity; Arts syndrome; Hearing loss, X-linked 1; Charcot-Marie-Tooth disease X-linked recessive 5. Last evaluated: 2021-12-23. Review status: criteria provided, single submitter. Criteria: ACMG Guidelines, 2015. Collection method: clinical testing. Allele origin: unknown.